The following is an entry in ClinVar:

NM_000260.4(MYO7A):c.1423G>T (p.Glu475Ter)

Gene: MYO7A (myosin VIIA; plus strand). Cytogenetic location: 11q13.5.
Variant type: single nucleotide variant.
Coding change: c.1423G>T on transcript NM_000260.4 (MANE Select); coding-DNA position 1423, G replaced by T.
Protein change: p.Glu475Ter; replaces glutamic acid 475 with a stop codon.
Molecular consequence: nonsense.
Genome position (GRCh38, 1-based): chr11:77,162,199, G>T. VCF-style: chr11-77162199-G-T. GRCh37 (hg19) VCF-style: chr11-76873245-G-T.
Other names: c.1423G>T, p.Glu475Ter (NM_001127180.2); c.1390G>T, p.Glu464Ter (NM_001369365.1); short protein forms E464*, E475*.
Identifiers: ClinVar variation 983797 (VCV000983797.3), dbSNP rs1953066164, ClinGen allele CA381935375.

ClinVar aggregate classification (germline): Likely pathogenic (1 of 4 stars; one submission).

Conditions:
Usher syndrome type 1 (USH1). Also called: RETINITIS PIGMENTOSA AND CONGENITAL DEAFNESS. Identifiers: Orphanet 231169, Orphanet 886, MedGen C1568247, MONDO:0010168, OMIM 276900.

Allele frequency attached by ClinVar (database versions not stated): gnomAD exomes below 0.00001.
gnomAD v4.1: 1 of 1,594,484 alleles (0.000063%); highest among the groups gnomAD compares: East Asian, 0.0023%; no homozygotes.

Submission:

Myriad Genetics, Inc.
Classification: Likely pathogenic for Usher syndrome type 1. Last evaluated: 2019-12-28. Review status: criteria provided, single submitter. Criteria: Myriad Women's Health Autosomal Recessive and X-Linked Classification Criteria (2019). Collection method: clinical testing. Allele origin: unknown.
Comment: NM_000260.3(MYO7A):c.1423G>T(E475*) is expected to be pathogenic in the context of MYO7A-related disorders. This variant is predicted to lead to an abnormal or absent protein product due to the creation of a premature termination codon in MYO7A, a gene where loss-of-function variants are known to be pathogenic. Please note: this variant was assessed in the context of healthy population screening.